The following is an entry in ClinVar:

ClinVar aggregate classification (germline): Uncertain significance (1 of 4 stars; one submission).

Allele frequency attached by ClinVar (database versions not stated): ExAC 0.00002.
gnomAD v4.1: 15 of 1,613,848 alleles (0.00093%); highest among the groups gnomAD compares: African/African-American, 0.004%; no homozygotes.

Submission:

Labcorp Genetics (formerly Invitae), Labcorp
Classification: Uncertain significance. Last evaluated: 2024-11-11. Review status: criteria provided, single submitter. Criteria: Invitae Variant Classification Sherloc (09022015). Collection method: clinical testing. Allele origin: germline.
Comment: This sequence change replaces aspartic acid, which is acidic and polar, with glutamic acid, which is acidic and polar, at codon 958 of the MBTPS1 protein (p.Asp958Glu). This variant is present in population databases (rs761837606, gnomAD 0.003%). This variant has not been reported in the literature in individuals affected with MBTPS1-related conditions. ClinVar contains an entry for this variant (Variation ID: 1910539). An algorithm developed to predict the effect of missense changes on protein structure and function (PolyPhen-2) suggests that this variant is likely to be tolerated. In summary, the available evidence is currently insufficient to determine the role of this variant in disease. Therefore, it has been classified as a Variant of Uncertain Significance.

NM_003791.4(MBTPS1):c.2874C>G (p.Asp958Glu)

Gene: MBTPS1 (membrane bound transcription factor peptidase, site 1; minus strand). Cytogenetic location: 16q23.3.
Variant type: single nucleotide variant.
Coding change: c.2874C>G on transcript NM_003791.4 (MANE Select); coding-DNA position 2874, C replaced by G.
Protein change: p.Asp958Glu; replaces aspartic acid 958 with glutamic acid.
Molecular consequence: missense variant.
Genome position (GRCh38, 1-based): chr16:84,056,093, G>C on the plus strand (C>G on the coding strand, the complement: MBTPS1 is on the minus strand). VCF-style: chr16-84056093-G-C. GRCh37 (hg19) VCF-style: chr16-84089698-G-C.
Other names: short protein forms D958E.
Identifiers: ClinVar variation 1910539 (VCV001910539.5), dbSNP rs761837606, ClinGen allele CA8200702.